The following is an entry in ClinVar:

ClinVar aggregate classification (germline): Likely benign (0 of 4 stars; one submission).

Conditions:
ANXA1-related disorder. Also called: ANXA1-related condition.

Allele frequency attached by ClinVar (database versions not stated): ExAC 0.00003; ESP Exome Variant Server 0.00015.
gnomAD v4.1: 80 of 1,612,788 alleles (0.005%); highest among the groups gnomAD compares: Admixed American, 0.0067%; no homozygotes.

Submission:

PreventionGenetics, part of Exact Sciences
Classification: Likely benign for ANXA1-related condition. Last evaluated: 2023-06-05. Review status: no assertion criteria provided. Collection method: clinical testing. Allele origin: germline.
Comment: This variant is classified as likely benign based on ACMG/AMP sequence variant interpretation guidelines (Richards et al. 2015 PMID: 25741868, with internal and published modifications).

NM_000700.3(ANXA1):c.657C>T (p.Asn219=)

Gene: ANXA1 (annexin A1; plus strand). Cytogenetic location: 9q21.13.
Variant type: single nucleotide variant.
Coding change: c.657C>T on transcript NM_000700.3 (MANE Select); coding-DNA position 657, C replaced by T.
Protein change: p.Asn219=; no amino-acid change (asparagine 219 retained).
Molecular consequence: synonymous variant.
Genome position (GRCh38, 1-based): chr9:73,165,160, C>T. VCF-style: chr9-73165160-C-T. GRCh37 (hg19) VCF-style: chr9-75780076-C-T.
Identifiers: ClinVar variation 3032144 (VCV003032144.2), dbSNP rs369329871, ClinGen allele CA5083066.